The following is an entry in ClinVar:

NM_022437.3(ABCG8):c.1757-2A>G

Gene: ABCG8 (ATP binding cassette subfamily G member 8; plus strand). Cytogenetic location: 2p21.
Variant type: single nucleotide variant.
Coding change: c.1757-2A>G on transcript NM_022437.3 (MANE Select); the canonical splice acceptor site of the intron before coding-DNA position 1757, A replaced by G.
Molecular consequence: splice acceptor variant.
Genome position (GRCh38, 1-based): chr2:43,877,559, A>G. VCF-style: chr2-43877559-A-G. GRCh37 (hg19) VCF-style: chr2-44104698-A-G.
Other names: c.1754-2A>G (NM_001357321.2).
Identifiers: ClinVar variation 2117820 (VCV002117820.4), dbSNP rs1558863867, ClinGen allele CA346670745.

ClinVar aggregate classification (germline): Likely pathogenic (1 of 4 stars; one submission).

Submission:

Labcorp Genetics (formerly Invitae), Labcorp
Classification: Likely pathogenic. Last evaluated: 2022-03-26. Review status: criteria provided, single submitter. Criteria: Invitae Variant Classification Sherloc (09022015). Collection method: clinical testing. Allele origin: germline.
Comment: In summary, the currently available evidence indicates that the variant is pathogenic, but additional data are needed to prove that conclusively. Therefore, this variant has been classified as Likely Pathogenic. Algorithms developed to predict the effect of sequence changes on RNA splicing suggest that this variant may disrupt the consensus splice site. This variant has not been reported in the literature in individuals affected with ABCG8-related conditions. This variant is not present in population databases (gnomAD no frequency). This sequence change affects an acceptor splice site in intron 11 of the ABCG8 gene. It is expected to disrupt RNA splicing. Variants that disrupt the donor or acceptor splice site typically lead to a loss of protein function (PMID: 16199547), and loss-of-function variants in ABCG8 are known to be pathogenic (PMID: 11452359, 15375183, 16029460).

Literature cited by the submitters: PubMed 16199547; PubMed 11452359; PubMed 15375183; PubMed 16029460.